The following is an entry in ClinVar:

NM_005359.6(SMAD4):c.1139+10G>A

Gene: SMAD4 (SMAD family member 4; plus strand). Cytogenetic location: 18q21.2.
Variant type: single nucleotide variant.
Coding change: c.1139+10G>A on transcript NM_005359.6 (MANE Select); 10 bases into the intron after coding-DNA position 1139, G replaced by A.
Molecular consequence: intron variant.
Genome position (GRCh38, 1-based): chr18:51,065,616, G>A. VCF-style: chr18-51065616-G-A. GRCh37 (hg19) VCF-style: chr18-48591986-G-A.
Identifiers: ClinVar variation 460527 (VCV000460527.11), dbSNP rs1324590608, ClinGen allele CA658658746.

ClinVar aggregate classification (germline): Likely benign. Review status: criteria provided, multiple submitters, no conflicts (2 of 4 stars). 2 submissions from 2 submitters: Likely benign (2). Last evaluated 2025-03-21.

Conditions:
Juvenile polyposis syndrome (JPS). Identifiers: Orphanet 2929, MedGen C0345893, MONDO:0017380, OMIM 174900.
Juvenile polyposis/hereditary hemorrhagic telangiectasia syndrome (JPHT). Also called: POLYPOSIS, GENERALIZED JUVENILE, WITH PULMONARY ARTERIOVENOUS MALFORMATION; TELANGIECTASIA, HEREDITARY HEMORRHAGIC, WITH JUVENILE POLYPOSIS COLI; Juvenile Polyposis Syndrome / Hereditary Hemorrhagic Telangiectasia (JPS/HHT); JP/HHT SYNDROME; JUVENILE POLYPOSIS WITH HEREDITARY HEMORRHAGIC TELANGIECTASIA. Identifiers: Orphanet 2929, MedGen C1832942, MONDO:0008278, OMIM 175050.

Submissions (2):

Myriad Genetics, Inc.
Classification: Likely benign for Juvenile polyposis/hereditary hemorrhagic telangiectasia syndrome. Last evaluated: 2025-03-21. Review status: criteria provided, single submitter. Criteria: Myriad Autosomal Dominant, Autosomal Recessive and X-Linked Classification Criteria (2023). Collection method: clinical testing. Allele origin: unknown.
Comment: This variant is considered likely benign. This variant is intronic and is not expected to impact mRNA splicing.

Labcorp Genetics (formerly Invitae), Labcorp
Classification: Likely benign for Juvenile polyposis syndrome. Last evaluated: 2024-08-26. Review status: criteria provided, single submitter. Criteria: Invitae Variant Classification Sherloc (09022015). Collection method: clinical testing. Allele origin: germline.